The following is an entry in ClinVar:

ClinVar aggregate classification (germline): Uncertain significance. Review status: criteria provided, single submitter (1 of 4 stars). 2 submissions from 2 submitters: Uncertain significance (1). 1 of the submissions does not count toward it. Last evaluated 2025-05-04.

Conditions:
Retinal dystrophy. Also called: Inherited retinal dystrophy. Identifiers: Orphanet 71862, MedGen C0854723, MeSH D058499, MONDO:0019118, HP:0000556.

Submissions (2):

Labcorp Genetics (formerly Invitae), Labcorp
Classification: Uncertain significance. Last evaluated: 2025-05-04. Review status: criteria provided, single submitter. Criteria: Invitae Variant Classification Sherloc (09022015). Collection method: clinical testing. Allele origin: germline.
Comment: This sequence change replaces glutamine, which is neutral and polar, with histidine, which is basic and polar, at codon 1513 of the ABCA4 protein (p.Gln1513His). This variant also falls at the last nucleotide of exon 30, which is part of the consensus splice site for this exon. This variant is not present in population databases (gnomAD no frequency). This variant has not been reported in the literature in individuals affected with ABCA4-related conditions. ClinVar contains an entry for this variant (Variation ID: 2826386). An algorithm developed to predict the effect of missense changes on protein structure and function (PolyPhen-2) suggests that this variant is likely to be disruptive. Variants that disrupt the consensus splice site are a relatively common cause of aberrant splicing (PMID: 17576681, 9536098). Algorithms developed to predict the effect of sequence changes on RNA splicing suggest that this variant may disrupt the consensus splice site. In summary, the available evidence is currently insufficient to determine the role of this variant in disease. Therefore, it has been classified as a Variant of Uncertain Significance.

Institute of Human Genetics, Univ. Regensburg, Univ. Regensburg
Classification: Likely pathogenic for Retinal dystrophy. Last evaluated: 2013-01-01. Review status: no assertion criteria provided. Criteria: ACMG Guidelines, 2015. Collection method: clinical testing. Allele origin: germline. Affected: yes. Not counted in ClinVar's aggregate classification.

Literature cited by the submitters: PubMed 17576681 (cited by Labcorp Genetics (formerly Invitae), Labcorp); PubMed 9536098 (cited by Labcorp Genetics (formerly Invitae), Labcorp).

NM_000350.3(ABCA4):c.4539G>C (p.Gln1513His)

Gene: ABCA4 (ATP binding cassette subfamily A member 4; minus strand). Cytogenetic location: 1p22.1.
Variant type: single nucleotide variant.
Coding change: c.4539G>C on transcript NM_000350.3 (MANE Select); coding-DNA position 4539, G replaced by C.
Protein change: p.Gln1513His; replaces glutamine 1513 with histidine.
Molecular consequence: missense variant.
Genome position (GRCh38, 1-based): chr1:94,029,445, C>G on the plus strand (G>C on the coding strand, the complement: ABCA4 is on the minus strand). VCF-style: chr1-94029445-C-G. GRCh37 (hg19) VCF-style: chr1-94495001-C-G.
Other names: c.4317G>C, p.Gln1439His (NM_001425324.1); short protein forms Q1439H, Q1513H.
Identifiers: ClinVar variation 2826386 (VCV002826386.4), dbSNP rs2523722412, ClinGen allele CA341284765.